The following is an entry in ClinVar:

ClinVar aggregate classification (germline): Likely pathogenic (1 of 4 stars; one submission).

Conditions:
KYNU-related disorder. Also called: KYNU-related condition; KYNU-related disorders.

Allele frequency attached by ClinVar (database versions not stated): gnomAD exomes below 0.00001.
gnomAD v4.1: 2 of 1,583,026 alleles (0.00013%); highest among the groups gnomAD compares: Non-Finnish European, 0.00017%; no homozygotes.

Submission:

Rady Children's Institute for Genomic Medicine, Rady Children's Hospital San Diego
Classification: Likely pathogenic for KYNU-related disorders. Review status: criteria provided, single submitter. Criteria: ACMG Guidelines, 2015. Collection method: clinical testing. Allele origin: germline. Affected: yes.
Comment: This nonsense variant found in exon 7 of 14 is predicted to result in loss of normal protein function through either protein truncation or nonsense-mediated mRNA decay (NMD). This variant has not been previously reported or functionally characterized in the literature to our knowledge. It is absent from the gnomAD population database and thus is presumed to be rare. Based on the available evidence, the c.510T>A (p.Tyr170Ter) variant is classified as Likely Pathogenic.

NM_003937.3(KYNU):c.510T>A (p.Tyr170Ter)

Gene: KYNU (kynureninase; plus strand). Cytogenetic location: 2q22.2.
Variant type: single nucleotide variant.
Coding change: c.510T>A on transcript NM_003937.3 (MANE Select); coding-DNA position 510, T replaced by A.
Protein change: p.Tyr170Ter; replaces tyrosine 170 with a stop codon.
Molecular consequence: nonsense.
Genome position (GRCh38, 1-based): chr2:142,957,643, T>A. VCF-style: chr2-142957643-T-A. GRCh37 (hg19) VCF-style: chr2-143715212-T-A.
Other names: c.510T>A, p.Tyr170Ter (NM_001032998.2, NM_001199241.2); short protein forms Y170*.
Identifiers: ClinVar variation 2584440 (VCV002584440.1), dbSNP rs2467839682, ClinGen allele CA348848845.